The following is an entry in ClinVar:

NM_001367624.2(ZNF469):c.10849C>T (p.Pro3617Ser)

Gene: ZNF469 (zinc finger protein 469; plus strand). Cytogenetic location: 16q24.2.
Variant type: single nucleotide variant.
Coding change: c.10849C>T on transcript NM_001367624.2 (MANE Select); coding-DNA position 10849, C replaced by T.
Protein change: p.Pro3617Ser; replaces proline 3617 with serine.
Molecular consequence: missense variant.
Genome position (GRCh38, 1-based): chr16:88,438,319, C>T. VCF-style: chr16-88438319-C-T. GRCh37 (hg19) VCF-style: chr16-88504727-C-T.
Other names: NM_001127464.1:c.10765C>T; short protein forms P3617S.
Identifiers: ClinVar variation 2564250 (VCV002564250.2), dbSNP rs1020578736, ClinGen allele CA397128211.

ClinVar aggregate classification (germline): Uncertain significance (1 of 4 stars; one submission).

Conditions:
Cardiovascular phenotype. Identifiers: MedGen CN230736.

gnomAD v4.1: 1 of 1,550,156 alleles (0.000065%); highest among the groups gnomAD compares: Non-Finnish European, 0.000087%; no homozygotes.

Submission:

Ambry Genetics
Classification: Uncertain significance for Cardiovascular phenotype. Last evaluated: 2023-05-13. Review status: criteria provided, single submitter. Criteria: Ambry Variant Classification Scheme 2023. Collection method: clinical testing. Allele origin: germline.
Comment: The p.P3589S variant (also known as c.10765C>T), located in coding exon 2 of the ZNF469 gene, results from a C to T substitution at nucleotide position 10765. The proline at codon 3589 is replaced by serine, an amino acid with similar properties. This amino acid position is conserved. In addition, this alteration is predicted to be tolerated by in silico analysis. Since supporting evidence is limited at this time, the clinical significance of this alteration remains unclear.